The following is an entry in ClinVar:

NM_001202.6(BMP4):c.398G>A (p.Ser133Asn)

Gene: BMP4 (bone morphogenetic protein 4; minus strand). Cytogenetic location: 14q22.2.
Variant type: single nucleotide variant.
Coding change: c.398G>A on transcript NM_001202.6 (MANE Select); coding-DNA position 398, G replaced by A.
Protein change: p.Ser133Asn; replaces serine 133 with asparagine.
Molecular consequence: missense variant.
Genome position (GRCh38, 1-based): chr14:53,950,861, C>T on the plus strand (G>A on the coding strand, the complement: BMP4 is on the minus strand). VCF-style: chr14-53950861-C-T. GRCh37 (hg19) VCF-style: chr14-54417579-C-T.
Other names: c.539G>A, p.Ser180Asn (NM_001347912.1); c.209G>A, p.Ser70Asn (NM_001347913.2, NM_001347915.2, NM_001347917.1); c.398G>A, p.Ser133Asn (NM_001347914.2, NM_001347916.1, NM_130850.5 and 1 more transcripts); short protein forms S133N, S180N, S70N.
Identifiers: ClinVar variation 1327682 (VCV001327682.2), dbSNP rs1009117343, ClinGen allele CA261472683.

ClinVar aggregate classification (germline): Uncertain significance (1 of 4 stars; one submission).

Allele frequency attached by ClinVar (database versions not stated): gnomAD exomes below 0.00001; TOPMed 0.00002.

Submission:

GeneDx
Classification: Uncertain significance. Last evaluated: 2021-04-22. Review status: criteria provided, single submitter. Criteria: GeneDx Variant Classification Process June 2021. Collection method: clinical testing. Allele origin: germline. Affected: yes.
Comment: Not observed in large population cohorts (Lek et al., 2016); In silico analysis supports that this missense variant does not alter protein structure/function; Has not been previously published as pathogenic or benign to our knowledge